The following is an entry in ClinVar:

ClinVar aggregate classification (germline): Uncertain significance. Review status: criteria provided, multiple submitters, no conflicts (2 of 4 stars). 9 submissions from 9 submitters: Uncertain significance (9). Last evaluated 2025-12-22.

Conditions:
RYR2-related disorder. Also called: RYR2-related condition.
Ventricular arrhythmias due to cardiac ryanodine receptor calcium release deficiency syndrome. Also called: Autosomal dominant cardiac arrhythmia (Kuhn). Identifiers: MedGen C5542154, MONDO:0020745, OMIM 115000.
Cardiovascular phenotype. Identifiers: MedGen CN230736.
Catecholaminergic polymorphic ventricular tachycardia (CVPT). Also called: Catecholamine-induced polymorphic ventricular tachycardia. Identifiers: Orphanet 3286, MedGen C5574922, MONDO:0017990.
Cardiomyopathy (CMYO). Also called: Cardiomyopathies. Identifiers: Orphanet 167848, MedGen C0878544, MONDO:0004994, HP:0001638. Inheritance: Various modes of inheritance.
Catecholaminergic polymorphic ventricular tachycardia 1. Also called: VENTRICULAR TACHYCARDIA, STRESS-INDUCED POLYMORPHIC 1; RYR2-Related Catecholaminergic Polymorphic Ventricular Tachycardia; VENTRICULAR TACHYCARDIA, CATECHOLAMINERGIC POLYMORPHIC, 1, WITH OR WITHOUT ATRIAL DYSFUNCTION AND/OR DILATED CARDIOMYOPATHY. Identifiers: Orphanet 3286, MedGen C1631597, MONDO:0011484, OMIM 604772.

Allele frequency attached by ClinVar (database versions not stated): gnomAD exomes 0.00002 and 0.00006; gnomAD 0.00003 and 0.00004; TOPMed 0.00005.
gnomAD v4.1: 91 of 1,613,362 alleles (0.0056%); highest among the groups gnomAD compares: Middle Eastern, 0.016%; no homozygotes.

Submissions (9):

Labcorp Genetics (formerly Invitae), Labcorp
Classification: Uncertain significance for Catecholaminergic polymorphic ventricular tachycardia 1. Last evaluated: 2025-12-22. Review status: criteria provided, single submitter. Criteria: Invitae Variant Classification Sherloc (09022015). Collection method: clinical testing. Allele origin: germline.
Comment: This sequence change replaces arginine, which is basic and polar, with glutamine, which is neutral and polar, at codon 2100 of the RYR2 protein (p.Arg2100Gln). This variant is present in population databases (rs796202631, gnomAD 0.01%). This variant has not been reported in the literature in individuals affected with RYR2-related conditions. ClinVar contains an entry for this variant (Variation ID: 377080). Invitae Evidence Modeling of protein sequence and biophysical properties (such as structural, functional, and spatial information, amino acid conservation, physicochemical variation, residue mobility, and thermodynamic stability) indicates that this missense variant is not expected to disrupt RYR2 protein function with a negative predictive value of 95%. In summary, the available evidence is currently insufficient to determine the role of this variant in disease. Therefore, it has been classified as a Variant of Uncertain Significance.

Ambry Genetics
Classification: Uncertain significance for Cardiovascular phenotype. Last evaluated: 2025-11-03. Review status: criteria provided, single submitter. Criteria: Ambry Variant Classification Scheme 2023. Collection method: clinical testing. Allele origin: germline.
Comment: The p.R2100Q variant (also known as c.6299G>A), located in coding exon 41 of the RYR2 gene, results from a G to A substitution at nucleotide position 6299. The arginine at codon 2100 is replaced by glutamine, an amino acid with highly similar properties. This alteration has been reported in a hypertrophic cardiomyopathy (HCM) cohort and a general population cohort (Mademont-Soler I et al. PLoS One, 2017 Aug;12:e0181465; Bajaj A et al. Hum Genomics, 2022 Aug;16:30). This amino acid position is well conserved in available vertebrate species. In addition, this alteration is predicted to be tolerated by in silico analysis. Since supporting evidence is limited at this time, the clinical significance of this alteration remains unclear.

Color Diagnostics, LLC DBA Color Health
Classification: Uncertain significance for Cardiomyopathy. Last evaluated: 2024-10-21. Review status: criteria provided, single submitter. Criteria: ACMG Guidelines, 2015. Collection method: clinical testing. Allele origin: germline.
Comment: This missense variant replaces arginine with glutamine at codon 2100 of the RYR2 protein. Computational prediction suggests that this variant may not impact protein structure and function. To our knowledge, functional studies have not been reported for this variant. This variant has not been reported in individuals affected with RYR2-related disorders in the literature. This variant has been identified in 5/280446 chromosomes in the general population by the Genome Aggregation Database (gnomAD). The available evidence is insufficient to determine the role of this variant in disease conclusively. Therefore, this variant is classified as a Variant of Uncertain Significance.

GeneDx
Classification: Uncertain significance. Last evaluated: 2024-09-23. Review status: criteria provided, single submitter. Criteria: GeneDx Variant Classification Process June 2021. Collection method: clinical testing. Allele origin: germline.
Comment: Has been reported in association with HCM (PMID: 28771489); Not observed at significant frequency in large population cohorts (gnomAD); In silico analysis indicates that this missense variant does not alter protein structure/function; Not located in one of the three hot-spot regions of the RYR2 gene, where the majority of pathogenic missense variants occur (PMID: 19926015); This variant is associated with the following publications: (PMID: 30122538, 19926015, 28771489, 35932045)

Genomic Medicine Center of Excellence, King Faisal Specialist Hospital and Research Centre
Classification: Uncertain significance for Ventricular arrhythmias due to cardiac ryanodine receptor calcium release deficiency syndrome. Last evaluated: 2024-09-22. Review status: criteria provided, single submitter. Criteria: ACMG Guidelines, 2015. Collection method: clinical testing. Allele origin: germline.

All of Us Research Program, National Institutes of Health
Classification: Uncertain significance for Catecholaminergic polymorphic ventricular tachycardia. Last evaluated: 2024-01-05. Review status: criteria provided, single submitter. Criteria: ACMG Guidelines, 2015. Collection method: clinical testing. Allele origin: germline. Inheritance: Autosomal dominant inheritance. Observed: 6 variant alleles, 6 heterozygotes.
Comment: This missense variant replaces arginine with glutamine at codon 2100 of the RYR2 protein. Computational prediction suggests that this variant may not impact protein structure and function (internally defined REVEL score threshold <= 0.5, PMID: 27666373). To our knowledge, functional studies have not been reported for this variant. This variant has not been reported in individuals affected with cardiovascular disorders in the literature. This variant has been identified in 5/280446 chromosomes in the general population by the Genome Aggregation Database (gnomAD). The available evidence is insufficient to determine the role of this variant in disease conclusively. Therefore, this variant is classified as a Variant of Uncertain Significance.

This study involves interpretation of variants in research participants for the purpose of population health screening. Participant phenotype was not available at the time of variant classification. Additional details can be found in publication PMID: 35346344, PMCID: PMC8962531

PreventionGenetics, part of Exact Sciences
Classification: Uncertain significance for RYR2-related condition. Last evaluated: 2023-07-20. Review status: criteria provided, single submitter. Criteria: ACMG Guidelines, 2015. Collection method: clinical testing. Allele origin: germline.
Comment: The RYR2 c.6299G>A variant is predicted to result in the amino acid substitution p.Arg2100Gln. To our knowledge, this variant has not been reported in the literature in individuals with RYR2-related disorders. This variant is reported in 0.010% of alleles in individuals of East Asian descent in gnomAD. At this time, the clinical significance of this variant is uncertain due to the absence of conclusive functional and genetic evidence.

Blueprint Genetics
Classification: Uncertain significance. Last evaluated: 2023-05-30. Review status: criteria provided, single submitter. Criteria: ACMG Guidelines, 2015. Collection method: clinical testing. Allele origin: germline.

Center for Pediatric Genomic Medicine, Children's Mercy Hospital and Clinics
Classification: Uncertain significance. Last evaluated: 2016-11-03. Review status: criteria provided, single submitter. Criteria: ACMG Guidelines, 2015. Collection method: clinical testing. Allele origin: germline.
ClinVar note: Converted during submission from Uncertain Significance to Uncertain significance.

Literature cited by the submitters: PubMed 28771489 (cited by Ambry Genetics); PubMed 35932045 (cited by Ambry Genetics).

NM_001035.3(RYR2):c.6299G>A (p.Arg2100Gln)

Gene: RYR2 (ryanodine receptor 2; plus strand). Cytogenetic location: 1q43.
Variant type: single nucleotide variant.
Coding change: c.6299G>A on transcript NM_001035.3 (MANE Select); coding-DNA position 6299, G replaced by A.
Protein change: p.Arg2100Gln; replaces arginine 2100 with glutamine.
Molecular consequence: missense variant.
Genome position (GRCh38, 1-based): chr1:237,627,939, G>A. VCF-style: chr1-237627939-G-A. GRCh37 (hg19) VCF-style: chr1-237791239-G-A.
Other names: c.6299G>A (NM_001035.2); c.6299G>A, p.Arg2100Gln (LRG_402t1); short protein forms R2100Q.
Identifiers: ClinVar variation 377080 (VCV000377080.23), dbSNP rs796202631, ClinGen allele CA16603260.